The following is an entry in ClinVar:

NM_000540.3(RYR1):c.13225_13245del (p.Ser4409_Ala4415del)

Gene: RYR1 (ryanodine receptor 1; plus strand). Cytogenetic location: 19q13.2.
Variant type: Deletion.
Coding change: c.13225_13245del on transcript NM_000540.3 (MANE Select); coding-DNA positions 13225 to 13245, 21 bases deleted (AGCGAGGGCGCTGGAGACGCC).
Protein change: p.Ser4409_Ala4415del.
Genome position (GRCh38, 1-based): chr19:38,565,559-38,565,579, AGCGAGGGCGCTGGAGACGCC deleted; deleting any 21 consecutive bases within chr19:38,565,556-38,565,579 gives the same sequence; the c. name uses the placement nearest the transcript's 3' end. VCF-style (leftmost placement, unchanged base first): chr19-38565555-TGCCAGCGAGGGCGCTGGAGAC-T. GRCh37 (hg19) VCF-style: chr19-39056195-TGCCAGCGAGGGCGCTGGAGAC-T.
Other names: c.13210_13230del, p.Ser4404_Ala4410del (NM_001042723.2).
Identifiers: ClinVar variation 3706418 (VCV003706418.2).

ClinVar aggregate classification (germline): Uncertain significance (1 of 4 stars; one submission).

Conditions:
RYR1-related disorder. Also called: RYR1-related condition; RYR1-related disorders. Identifiers: MedGen CN239331.

Submission:

Labcorp Genetics (formerly Invitae), Labcorp
Classification: Uncertain significance for RYR1-related disorder. Last evaluated: 2024-05-20. Review status: criteria provided, single submitter. Criteria: Invitae Variant Classification Sherloc (09022015). Collection method: clinical testing. Allele origin: germline.
Comment: This variant, c.13225_13245del, results in the deletion of 7 amino acid(s) of the RYR1 protein (p.Ser4409_Ala4415del), but otherwise preserves the integrity of the reading frame. This variant is not present in population databases (gnomAD no frequency). This variant has not been reported in the literature in individuals affected with RYR1-related conditions. Experimental studies and prediction algorithms are not available or were not evaluated, and the functional significance of this variant is currently unknown. In summary, the available evidence is currently insufficient to determine the role of this variant in disease. Therefore, it has been classified as a Variant of Uncertain Significance.